The following is an entry in ClinVar:

NM_000138.5(FBN1):c.2568T>G (p.Thr856=)

Gene: FBN1 (fibrillin 1; minus strand). Cytogenetic location: 15q21.1.
Variant type: single nucleotide variant.
Coding change: c.2568T>G on transcript NM_000138.5 (MANE Select); coding-DNA position 2568, T replaced by G.
Protein change: p.Thr856=; no amino-acid change (threonine 856 retained).
Molecular consequence: synonymous variant.
Genome position (GRCh38, 1-based): chr15:48,495,232, A>C on the plus strand (T>G on the coding strand, the complement: FBN1 is on the minus strand). VCF-style: chr15-48495232-A-C. GRCh37 (hg19) VCF-style: chr15-48787429-A-C.
Identifiers: ClinVar variation 1588756 (VCV001588756.9), dbSNP rs781607814, ClinGen allele CA269538133.
Genomic context (GRCh38, chr15:48,495,232, plus strand): 5'-GCAGCACTGGGACTTTAAGGTGGCTCCATTGATGTTGATCTCACATCGCCCATCAATGAC[A>C]GTCTGCCAGCAAGTGCCCTTGATGGTTTCTGCAGAGGAGGGAATAATATTTAATAGAATC-3'
Protein context (NP_000129.3, residues 846-866): IETIKGTCWQ[Thr856=]VIDGRCEINI

ClinVar aggregate classification (germline): Likely benign. Review status: criteria provided, multiple submitters, no conflicts (2 of 4 stars). 2 submissions from 2 submitters: Likely benign (2). Last evaluated 2024-04-16.

Conditions:
Marfan syndrome (MFS). Also called: Marfan syndrome, classic; MARFAN SYNDROME, TYPE I; Marfan syndrome type 1; Marfan's syndrome; FBN1-Related Marfan Syndrome. Identifiers: Orphanet 284963, Orphanet 558, MedGen C0024796, MONDO:0007947, OMIM 154700.
Familial thoracic aortic aneurysm and aortic dissection (TAAD). Also called: Thoracic aortic aneurysms and dissections. Identifiers: Orphanet 91387, MedGen C4707243, MONDO:0019625.

Allele frequency attached by ClinVar (database versions not stated): TOPMed 0.00002; gnomAD 0.00001.
gnomAD v4.1: 1 of 1,614,060 alleles (0.000062%); highest among the groups gnomAD compares: African/African-American, 0.0013%; no homozygotes.

Submissions (2):

All of Us Research Program, National Institutes of Health
Classification: Likely benign for Marfan syndrome. Last evaluated: 2024-04-16. Review status: criteria provided, single submitter. Criteria: ACMG Guidelines, 2015. Collection method: clinical testing. Allele origin: germline. Inheritance: Autosomal dominant inheritance. Observed: 1 variant allele, 1 heterozygote.
Comment: This study involves interpretation of variants in research participants for the purpose of population health screening. Participant phenotype was not available at the time of variant classification. Additional details can be found in publication PMID: 35346344, PMCID: PMC8962531

Labcorp Genetics (formerly Invitae), Labcorp
Classification: Likely benign for Marfan syndrome; Familial thoracic aortic aneurysm and aortic dissection. Last evaluated: 2024-02-11. Review status: criteria provided, single submitter. Criteria: Invitae Variant Classification Sherloc (09022015). Collection method: clinical testing. Allele origin: germline.